The following is an entry in ClinVar:

NM_001967.4(EIF4A2):c.481G>A (p.Gly161Arg)

Gene: EIF4A2 (eukaryotic translation initiation factor 4A2; plus strand). Cytogenetic location: 3q27.3.
Variant type: single nucleotide variant.
Coding change: c.481G>A on transcript NM_001967.4 (MANE Select); coding-DNA position 481, G replaced by A.
Protein change: p.Gly161Arg; replaces glycine 161 with arginine.
Molecular consequence: missense variant.
Genome position (GRCh38, 1-based): chr3:186,786,015, G>A. VCF-style: chr3-186786015-G-A. GRCh37 (hg19) VCF-style: chr3-186503804-G-A.
Other names: short protein forms G161R.
Identifiers: ClinVar variation 3772177 (VCV003772177.13).

ClinVar aggregate classification (germline): Likely pathogenic (1 of 4 stars; one submission).

Submission:

CeGaT Center for Human Genetics Tuebingen
Classification: Likely pathogenic. Last evaluated: 2025-06-01. Review status: criteria provided, single submitter. Criteria: CeGaT Center For Human Genetics Tuebingen Variant Classification Criteria Version 2. Collection method: clinical testing. Allele origin: germline. Affected: yes. Observed: 1 variant allele.
Comment: EIF4A2: PM2, PS2:Moderate, PM5:Supporting, PP2